The following is an entry in ClinVar:

NM_020632.3(ATP6V0A4):c.946G>A (p.Val316Ile)

Gene: ATP6V0A4 (ATPase H+ transporting V0 subunit a4; minus strand). Cytogenetic location: 7q34.
Variant type: single nucleotide variant.
Coding change: c.946G>A on transcript NM_020632.3 (MANE Select); coding-DNA position 946, G replaced by A.
Protein change: p.Val316Ile; replaces valine 316 with isoleucine.
Molecular consequence: missense variant.
Genome position (GRCh38, 1-based): chr7:138,752,708, C>T on the plus strand (G>A on the coding strand, the complement: ATP6V0A4 is on the minus strand). VCF-style: chr7-138752708-C-T. GRCh37 (hg19) VCF-style: chr7-138437453-C-T.
Other names: c.946G>A, p.Val316Ile (NM_130840.3, NM_130841.3); short protein forms V316I.
Identifiers: ClinVar variation 359022 (VCV000359022.9), dbSNP rs201744457, ClinGen allele CA4504948.

ClinVar aggregate classification (germline): Uncertain significance. Review status: criteria provided, multiple submitters, no conflicts (2 of 4 stars). 3 submissions from 3 submitters: Uncertain significance (3). Last evaluated 2024-06-03.

Conditions:
Autosomal recessive distal renal tubular acidosis. Identifiers: Orphanet 402041, MedGen C1864498, MONDO:0018440.
Inborn genetic diseases. Identifiers: MedGen C0950123, MeSH D030342.

Allele frequency attached by ClinVar (database versions not stated): ExAC 0.00002; gnomAD exomes 0.00002 and 0.00007; gnomAD 0.00006; TOPMed 0.00007.
gnomAD v4.1: 45 of 1,613,938 alleles (0.0028%); highest among the groups gnomAD compares: East Asian, 0.042%; no homozygotes.

Submissions (3):

Ambry Genetics
Classification: Uncertain significance for Inborn genetic diseases. Last evaluated: 2024-06-03. Review status: criteria provided, single submitter. Criteria: Ambry Variant Classification Scheme 2023. Collection method: clinical testing. Allele origin: germline.

Labcorp Genetics (formerly Invitae), Labcorp
Classification: Uncertain significance. Last evaluated: 2022-07-30. Review status: criteria provided, single submitter. Criteria: Invitae Variant Classification Sherloc (09022015). Collection method: clinical testing. Allele origin: germline.
Comment: This sequence change replaces valine, which is neutral and non-polar, with isoleucine, which is neutral and non-polar, at codon 316 of the ATP6V0A4 protein (p.Val316Ile). This variant is present in population databases (rs201744457, gnomAD 0.05%). This variant has not been reported in the literature in individuals affected with ATP6V0A4-related conditions. ClinVar contains an entry for this variant (Variation ID: 359022). Algorithms developed to predict the effect of missense changes on protein structure and function output the following: SIFT: "Tolerated"; PolyPhen-2: "Benign"; Align-GVGD: "Class C0". The isoleucine amino acid residue is found in multiple mammalian species, which suggests that this missense change does not adversely affect protein function. In summary, the available evidence is currently insufficient to determine the role of this variant in disease. Therefore, it has been classified as a Variant of Uncertain Significance.

Illumina Laboratory Services, Illumina
Classification: Uncertain significance for Renal tubular acidosis, distal, 3, with or without sensorineural hearing loss. Last evaluated: 2018-01-12. Review status: criteria provided, single submitter. Criteria: ICSL Variant Classification Criteria 13 December 2019. Collection method: clinical testing. Allele origin: germline.